The following is an entry in ClinVar:

ClinVar aggregate classification (germline): Uncertain significance (1 of 4 stars; one submission).

Conditions:
Intellectual disability, autosomal recessive 53 (NEDHSCA). Also called: GLYCOSYLPHOSPHATIDYLINOSITOL BIOSYNTHESIS DEFECT 13; Mental retardation, autosomal recessive 53; NEURODEVELOPMENTAL DISORDER WITH OR WITHOUT HYPOTONIA, SEIZURES, AND CEREBELLAR ATROPHY. Identifiers: Orphanet 488635, MedGen C4310794, MONDO:0014832, OMIM 616917.

Allele frequency attached by ClinVar (database versions not stated): gnomAD exomes 0.00001.
gnomAD v4.1: 4 of 1,613,380 alleles (0.00025%); highest among the groups gnomAD compares: Non-Finnish European, 0.00034%; no homozygotes.

Submission:

Labcorp Genetics (formerly Invitae), Labcorp
Classification: Uncertain significance for Intellectual disability, autosomal recessive 53. Last evaluated: 2022-07-06. Review status: criteria provided, single submitter. Criteria: Invitae Variant Classification Sherloc (09022015). Collection method: clinical testing. Allele origin: germline.
Comment: This sequence change replaces histidine, which is basic and polar, with arginine, which is basic and polar, at codon 173 of the PIGG protein (p.His173Arg). This variant is not present in population databases (gnomAD no frequency). This variant has not been reported in the literature in individuals affected with PIGG-related conditions. ClinVar contains an entry for this variant (Variation ID: 1495669). Algorithms developed to predict the effect of missense changes on protein structure and function are either unavailable or do not agree on the potential impact of this missense change (SIFT: "Tolerated"; PolyPhen-2: "Probably Damaging"; Align-GVGD: "Class C0"). In summary, the available evidence is currently insufficient to determine the role of this variant in disease. Therefore, it has been classified as a Variant of Uncertain Significance.

NM_001127178.3(PIGG):c.518A>G (p.His173Arg)

Gene: PIGG (phosphatidylinositol glycan anchor biosynthesis class G (EMM blood group); plus strand). Cytogenetic location: 4p16.3.
Variant type: single nucleotide variant.
Coding change: c.518A>G on transcript NM_001127178.3 (MANE Select); coding-DNA position 518, A replaced by G.
Protein change: p.His173Arg; replaces histidine 173 with arginine.
Molecular consequence: missense variant. On other transcripts: 5 prime UTR variant (4), non-coding transcript variant (10), intron variant (1).
Genome position (GRCh38, 1-based): chr4:505,875, A>G. VCF-style: chr4-505875-A-G. GRCh37 (hg19) VCF-style: chr4-499664-A-G.
Other names: c.251A>G, p.His84Arg (NM_001289051.2, NM_001289053.2, NM_001289057.2 and 2 more transcripts); c.152A>G, p.His51Arg (NM_001289055.2); c.-370A>G (NM_001345988.2); c.518A>G, p.His173Arg (NM_001345989.2, NM_017733.5); c.-1108A>G (NM_001345990.2); c.-970A>G (NM_001345991.2); c.-695A>G (NM_001345994.2); c.361-2954A>G (NM_001289052.2); short protein forms H51R, H84R, H173R.
Identifiers: ClinVar variation 1495669 (VCV001495669.5), dbSNP rs1290208512, ClinGen allele CA355895619.